The following is an entry in ClinVar:

ClinVar aggregate classification (germline): Uncertain significance (1 of 4 stars; one submission).

Submission:

Dasa
Classification: Uncertain significance. Last evaluated: 2026-05-26. Review status: criteria provided, single submitter. Criteria: DASA Assertion Criteria. Collection method: clinical testing. Allele origin: germline.
Comment: NM_001353345.2(SETD1B):c.887C>T (p.Pro296Leu) is a missense variant that results in the substitution of proline with leucine. This variant is rare in population databases. The currently available literature and clinical evidence are not sufficient to establish a definitive association between this variant and the reported condition. Therefore, this variant is classified as a variant of uncertain significance.

NM_001353345.2(SETD1B):c.887C>T (p.Pro296Leu)

Gene: SETD1B (SET domain containing 1B, histone lysine methyltransferase; plus strand). Cytogenetic location: 12q24.31.
Variant type: single nucleotide variant.
Coding change: c.887C>T on transcript NM_001353345.2 (MANE Select); coding-DNA position 887, C replaced by T.
Protein change: p.Pro296Leu; replaces proline 296 with leucine.
Molecular consequence: missense variant.
Genome position (GRCh38, 1-based): chr12:121,809,832, C>T. VCF-style: chr12-121809832-C-T. GRCh37 (hg19) VCF-style: chr12-122247738-C-T.
Other names: short protein forms P296L.
Identifiers: ClinVar variation 5020484 (VCV005020484.1).